The following is an entry in ClinVar:

NM_000044.6(AR):c.1005_1008dup (p.Gly337fs)

Gene: AR (androgen receptor; plus strand). Cytogenetic location: Xq12.
Variant type: Duplication.
Coding change: c.1005_1008dup on transcript NM_000044.6 (MANE Select); coding-DNA positions 1005 to 1008, 4 bases duplicated (CTCC; older notation c.1005_1008dupCTCC).
Protein change: p.Gly337fs; shifts the reading frame from glycine 337.
Molecular consequence: frameshift variant. On other transcripts: 5 prime UTR variant (1).
Genome position (GRCh38, 1-based): chrX:67,546,151-67,546,154, CTCC duplicated. VCF-style (leftmost placement, unchanged base first): chrX-67546150-G-GCTCC. GRCh37 (hg19) VCF-style: chrX-66765992-G-GCTCC.
Other names: c.-779_-776dup (NM_001011645.3); c.1005_1008dup, p.Gly337fs (NM_001348061.1, NM_001348063.1, NM_001348064.1); short protein forms G337fs.
Identifiers: ClinVar variation 4531343 (VCV004531343.1).

ClinVar aggregate classification (germline): Pathogenic (1 of 4 stars; one submission).

Conditions:
Androgen resistance syndrome (AIS). Also called: ANDROGEN RECEPTOR DEFICIENCY; DIHYDROTESTOSTERONE RECEPTOR DEFICIENCY; TESTICULAR FEMINIZATION SYNDROME; Androgen insensitivity syndrome; Androgen insensitivity, complete; Androgen insensitivity syndrome due to coactivator deficiency. Identifiers: Orphanet 754, Orphanet 99429, MedGen C0039585, MONDO:0019154, OMIM 300068. Disease mechanism: loss of function.

Submission:

Victorian Clinical Genetics Services, Murdoch Childrens Research Institute
Classification: Pathogenic for Androgen resistance syndrome. Last evaluated: 2025-10-03. Review status: criteria provided, single submitter. Criteria: ACMG Guidelines, 2015. Collection method: clinical testing. Allele origin: germline. Affected: yes.
Comment: This variant is classified as Pathogenic. Evidence in support of pathogenic classification: Variant is predicted to cause nonsense-mediated decay (NMD) and loss of protein (premature termination codon is located at least 54 nucleotides upstream of the final exon-exon junction); Variant is absent from gnomAD (v2, v3 and v4); Other NMD-predicted variant(s) comparable to the one identified in this case have very strong previous evidence for pathogenicity (DECIPHER). Additional information: This variant is hemizygous; This gene is associated with X-linked recessive disease; Loss of function is a known mechanism of disease in this gene and is associated with androgen insensitivity (MIM#300068), androgen insensitivity, partial, with or without breast cancer (MIM#312300), hypospadias 1, X-linked (MIM#300633), and spinal and bulbar muscular atrophy, X-linked 1 (MIM#313200); Inheritance information for this variant is not currently available in this individual.